The following is an entry in ClinVar:

ClinVar aggregate classification (germline): Uncertain significance (1 of 4 stars; one submission).

Conditions:
Immunodeficiency 104. Also called: SCID, AUTOSOMAL RECESSIVE, T CELL-NEGATIVE, B CELL-POSITIVE, NK CELL-POSITIVE; Severe Combined Immune Deficiency, Autosomal Recessive, TCell -Negative, B Cell-Positive, NK Cell-Positive, IL7R-Related; Severe combined immunodeficiency, autosomal recessive, T cell-negative, B cell-positive, NK cell-positive; IMMUNODEFICIENCY 104, SEVERE COMBINED. Identifiers: MedGen C5676890, MONDO:0012163, OMIM 608971.

Allele frequency attached by ClinVar (database versions not stated): gnomAD exomes below 0.00001; ExAC 0.00001.
gnomAD v4.1: 1 of 1,614,142 alleles (0.000062%); highest among the groups gnomAD compares: Non-Finnish European, 0.000085%; no homozygotes.

Submission:

Labcorp Genetics (formerly Invitae), Labcorp
Classification: Uncertain significance for Immunodeficiency 104. Last evaluated: 2018-08-22. Review status: criteria provided, single submitter. Criteria: Invitae Variant Classification Sherloc (09022015). Collection method: clinical testing. Allele origin: germline.
Comment: This variant has not been reported in the literature in individuals with PTPRC-related disease. This sequence change replaces asparagine with histidine at codon 531 of the PTPRC protein (p.Asn531His). The asparagine residue is weakly conserved and there is a small physicochemical difference between asparagine and histidine. This variant is present in population databases (rs757782403, ExAC 0.002%). Algorithms developed to predict the effect of missense changes on protein structure and function (SIFT, PolyPhen-2, Align-GVGD) all suggest that this variant is likely to be tolerated, but these predictions have not been confirmed by published functional studies and their clinical significance is uncertain. In summary, the available evidence is currently insufficient to determine the role of this variant in disease. Therefore, it has been classified as a Variant of Uncertain Significance.

NM_002838.5(PTPRC):c.1591A>C (p.Asn531His)

Gene: PTPRC (protein tyrosine phosphatase receptor type C; plus strand). Cytogenetic location: 1q32.1.
Variant type: single nucleotide variant.
Coding change: c.1591A>C on transcript NM_002838.5 (MANE Select); coding-DNA position 1591, A replaced by C.
Protein change: p.Asn531His; replaces asparagine 531 with histidine.
Molecular consequence: missense variant.
Genome position (GRCh38, 1-based): chr1:198,718,234, A>C. VCF-style: chr1-198718234-A-C. GRCh37 (hg19) VCF-style: chr1-198687363-A-C.
Other names: c.1108A>C, p.Asn370His (NM_080921.4); short protein forms N531H, N370H.
Identifiers: ClinVar variation 649524 (VCV000649524.9), dbSNP rs757782403, ClinGen allele CA1314830.